The following is an entry in ClinVar:

NM_153676.4(USH1C):c.2418C>A (p.Asn806Lys)

Gene: USH1C (USH1 protein network component harmonin; minus strand). Cytogenetic location: 11p15.1.
Variant type: single nucleotide variant.
Coding change: c.2418C>A on transcript NM_153676.4 (MANE Select); coding-DNA position 2418, C replaced by A.
Protein change: p.Asn806Lys; replaces asparagine 806 with lysine.
Molecular consequence: missense variant. On other transcripts: non-coding transcript variant (1).
Genome position (GRCh38, 1-based): chr11:17,498,234, G>T on the plus strand (C>A on the coding strand, the complement: USH1C is on the minus strand). VCF-style: chr11-17498234-G-T. GRCh37 (hg19) VCF-style: chr11-17519781-G-T.
Other names: c.1461C>A, p.Asn487Lys (NM_001297764.2); c.1518C>A, p.Asn506Lys (NM_005709.4); short protein forms N506K, N806K, N487K.
Identifiers: ClinVar variation 229603 (VCV000229603.14), dbSNP rs397517876, ClinGen allele CA10576843.
Genomic context (GRCh38, chr11:17,498,234, plus strand): 5'-CCAGGCCTTCTGCAGGGCAGCCTCAGCCTCAGCCAGGGTGTAGTCTGTCACAATCTTGCC[G>T]TTGATTGCCATGATCTCGTCCCCTTTCACAATGCCACCTGCAGGCAGATGAGGCTGATTG-3'
Protein context (NP_710142.1, residues 796-816): IVKGDEIMAI[Asn806Lys]GKIVTDYTLA

ClinVar aggregate classification (germline): Uncertain significance. Review status: criteria provided, multiple submitters, no conflicts (2 of 4 stars). 4 submissions from 4 submitters: Uncertain significance (2). 2 of the submissions do not count toward it. Last evaluated 2021-08-27.

Conditions:
Usher syndrome type 1C. Also called: USHER SYNDROME, TYPE I, ACADIAN VARIETY. Identifiers: Orphanet 231169, Orphanet 886, MedGen C1848604, MONDO:0010171, OMIM 276904.
Autosomal recessive nonsyndromic hearing loss 18A. Also called: DEAFNESS, AUTOSOMAL RECESSIVE 18; Deafness, autosomal recessive 18A. Identifiers: Orphanet 90636, MedGen C1865870, MONDO:0011192, OMIM 602092.

gnomAD v4.1: 1 of 1,614,172 alleles (0.000062%); highest among the groups gnomAD compares: Non-Finnish European, 0.000085%; no homozygotes.

Submissions (5):

Labcorp Genetics (formerly Invitae), Labcorp
Classification: Uncertain significance. Last evaluated: 2021-08-27. Review status: criteria provided, single submitter. Criteria: Invitae Variant Classification Sherloc (09022015). Collection method: clinical testing. Allele origin: germline.
Comment: This sequence change replaces asparagine with lysine at codon 506 of the USH1C protein (p.Asn506Lys). The asparagine residue is highly conserved and there is a moderate physicochemical difference between asparagine and lysine. This variant is not present in population databases (ExAC no frequency). This variant has not been reported in the literature in individuals affected with USH1C-related conditions. ClinVar contains an entry for this variant (Variation ID: 229603). Algorithms developed to predict the effect of missense changes on protein structure and function are either unavailable or do not agree on the potential impact of this missense change (SIFT: "Deleterious"; PolyPhen-2: "Probably Damaging"; Align-GVGD: "Class C0"). In summary, the available evidence is currently insufficient to determine the role of this variant in disease. Therefore, it has been classified as a Variant of Uncertain Significance.

Laboratory for Molecular Medicine, Mass General Brigham Personalized Medicine
Classification: Uncertain significance. Last evaluated: 2016-03-01. Review status: criteria provided, single submitter. Criteria: LMM Criteria. Collection method: clinical testing. Allele origin: germline. Observed: 1 variant allele.
Comment: The p.Asn806Lys variant in USH1C has not been previously reported in individuals with hearing loss or Usher syndrome or in large population studies. Computation al prediction tools and conservation analyses suggest that the p.Asn806Lys varia nt may impact the protein, though this information is not predictive enough to d etermine pathogenicity. In summary, the clinical significance of the p.Asn806Lys variant is uncertain.

Natera, Inc.
Classification: Uncertain significance for Usher syndrome type 1C. Last evaluated: 2021-08-11. Review status: no assertion criteria provided. Collection method: clinical testing. Allele origin: germline. Not counted in ClinVar's aggregate classification.

Counsyl
Classification: Uncertain significance for Usher syndrome type 1C; Autosomal recessive nonsyndromic hearing loss 18A. Last evaluated: 2017-11-02. Review status: no assertion criteria provided. Collection method: clinical testing. Allele origin: unknown. Not counted in ClinVar's aggregate classification.

Dr. Peter K. Rogan Lab, Western University
No classification provided (evidence only). Condition: Thymoma. Review status: no classification provided. Collection method: in vitro. Allele origin: not applicable. Functional consequence: skipped exon. Not counted in ClinVar's aggregate classification.